The following is an entry in ClinVar:

NM_031475.3(ESPN):c.2253C>T (p.Pro751=)

Gene: ESPN (espin; plus strand). Cytogenetic location: 1p36.31.
Variant type: single nucleotide variant.
Coding change: c.2253C>T on transcript NM_031475.3 (MANE Select); coding-DNA position 2253, C replaced by T.
Protein change: p.Pro751=; no amino-acid change (proline 751 retained).
Molecular consequence: synonymous variant.
Genome position (GRCh38, 1-based): chr1:6,452,024, C>T. VCF-style: chr1-6452024-C-T. GRCh37 (hg19) VCF-style: chr1-6512084-C-T.
Other names: c.2163C>T, p.Pro721= (NM_001367473.1); c.2190C>T, p.Pro730= (NM_001367474.1).
Identifiers: ClinVar variation 227360 (VCV000227360.7), dbSNP rs371034506, ClinGen allele CA560434.

ClinVar aggregate classification (germline): Likely benign. Review status: criteria provided, multiple submitters, no conflicts (2 of 4 stars). 2 submissions from 2 submitters: Likely benign (2). Last evaluated 2023-10-17.

Allele frequency attached by ClinVar (database versions not stated): TOPMed 0.00002.
gnomAD v4.1: 12 of 1,591,640 alleles (0.00075%); highest among the groups gnomAD compares: East Asian, 0.0046%; no homozygotes.

Submissions (2):

Labcorp Genetics (formerly Invitae), Labcorp
Classification: Likely benign. Last evaluated: 2023-10-17. Review status: criteria provided, single submitter. Criteria: Invitae Variant Classification Sherloc (09022015). Collection method: clinical testing. Allele origin: germline.

Laboratory for Molecular Medicine, Mass General Brigham Personalized Medicine
Classification: Likely benign. Last evaluated: 2015-08-11. Review status: criteria provided, single submitter. Criteria: LMM Criteria. Collection method: clinical testing. Allele origin: germline. Observed: 1 variant allele.
Comment: p.Pro751Pro in exon 10 of ESPN: This variant is not expected to have clinical si gnificance because it does not alter an amino acid residue and is not located wi thin the splice consensus sequence. It has been identified in 1/25632 European c hromosomes by the Exome Aggregation Consortium (ExAC .org; dbSNP rs371034506).